The following is an entry in ClinVar:

NM_145290.4(ADGRA3):c.1007C>A (p.Thr336Asn)

Gene: ADGRA3 (adhesion G protein-coupled receptor A3; minus strand). Cytogenetic location: 4p15.2.
Variant type: single nucleotide variant.
Coding change: c.1007C>A on transcript NM_145290.4 (MANE Select); coding-DNA position 1007, C replaced by A.
Protein change: p.Thr336Asn; replaces threonine 336 with asparagine.
Molecular consequence: missense variant.
Genome position (GRCh38, 1-based): chr4:22,438,334, G>T on the plus strand (C>A on the coding strand, the complement: ADGRA3 is on the minus strand). VCF-style: chr4-22438334-G-T. GRCh37 (hg19) VCF-style: chr4-22439957-G-T.
Other names: short protein forms T336N.
Identifiers: ClinVar variation 2003616 (VCV002003616.4), dbSNP rs774838047, ClinGen allele CA2874076.

ClinVar aggregate classification (germline): Uncertain significance (1 of 4 stars; one submission).

Allele frequency attached by ClinVar (database versions not stated): gnomAD exomes below 0.00001; ExAC 0.00001.
gnomAD v4.1: 1 of 1,612,678 alleles (0.000062%); highest among the groups gnomAD compares: East Asian, 0.0022%; no homozygotes.

Submission:

Labcorp Genetics (formerly Invitae), Labcorp
Classification: Uncertain significance. Last evaluated: 2022-06-08. Review status: criteria provided, single submitter. Criteria: Invitae Variant Classification Sherloc (09022015). Collection method: clinical testing. Allele origin: germline.
Comment: This variant has not been reported in the literature in individuals affected with ADGRA3-related conditions. In summary, the available evidence is currently insufficient to determine the role of this variant in disease. Therefore, it has been classified as a Variant of Uncertain Significance. Algorithms developed to predict the effect of missense changes on protein structure and function are either unavailable or do not agree on the potential impact of this missense change (SIFT: "Deleterious"; PolyPhen-2: "Probably Damaging"; Align-GVGD: "Class C0"). This variant is present in population databases (rs774838047, gnomAD 0.006%). This sequence change replaces threonine, which is neutral and polar, with asparagine, which is neutral and polar, at codon 336 of the ADGRA3 protein (p.Thr336Asn).